The following is an entry in ClinVar:

NM_001164277.2(SLC37A4):c.1124+5G>A

Gene: SLC37A4 (solute carrier family 37 member 4; minus strand). Cytogenetic location: 11q23.3.
Variant type: single nucleotide variant.
Coding change: c.1124+5G>A on transcript NM_001164277.2 (MANE Select); 5 bases into the intron after coding-DNA position 1124, G replaced by A.
Molecular consequence: intron variant.
Genome position (GRCh38, 1-based): chr11:119,025,186, C>T on the plus strand (G>A on the coding strand, the complement: SLC37A4 is on the minus strand). VCF-style: chr11-119025186-C-T. GRCh37 (hg19) VCF-style: chr11-118895896-C-T.
Other names: c.905+5G>A (NM_001164279.2); c.1124+5G>A (NM_001467.6, NM_001164280.2); c.1190+5G>A (NM_001164278.2).
Identifiers: ClinVar variation 1475687 (VCV001475687.6), dbSNP rs2134627689, ClinGen allele CA2573146960.

ClinVar aggregate classification (germline): Uncertain significance (1 of 4 stars; one submission).

Conditions:
Glucose-6-phosphate transport defect (GSD1B). Also called: Glycogen Storage Disease Type Ib; GSD Ib. Identifiers: Orphanet 364, Orphanet 79259, MedGen C0268146, MONDO:0009288, OMIM 232220.

Allele frequency attached by ClinVar (database versions not stated): gnomAD exomes 0.00001.

Submission:

Labcorp Genetics (formerly Invitae), Labcorp
Classification: Uncertain significance for Glucose-6-phosphate transport defect. Last evaluated: 2021-10-11. Review status: criteria provided, single submitter. Criteria: Invitae Variant Classification Sherloc (09022015). Collection method: clinical testing. Allele origin: germline.
Comment: In summary, the available evidence is currently insufficient to determine the role of this variant in disease. Therefore, it has been classified as a Variant of Uncertain Significance. Variants that disrupt the consensus splice site are a relatively common cause of aberrant splicing (PMID: 17576681, 9536098). Experimental studies and prediction algorithms are not available or were not evaluated, and the effect of this variant on mRNA splicing is currently unknown. This variant has not been reported in the literature in individuals affected with SLC37A4-related conditions. This variant is not present in population databases (ExAC no frequency). This sequence change falls in intron 9 of the SLC37A4 gene. It does not directly change the encoded amino acid sequence of the SLC37A4 protein. It affects a nucleotide within the consensus splice site.

Literature cited by the submitters: PubMed 17576681; PubMed 9536098.